The following is an entry in ClinVar:

NM_001408.3(CELSR2):c.6499A>G (p.Ile2167Val)

Gene: CELSR2 (cadherin EGF LAG seven-pass G-type receptor 2; plus strand). Cytogenetic location: 1p13.3.
Variant type: single nucleotide variant.
Coding change: c.6499A>G on transcript NM_001408.3 (MANE Select); coding-DNA position 6499, A replaced by G.
Protein change: p.Ile2167Val; replaces isoleucine 2167 with valine.
Molecular consequence: missense variant.
Genome position (GRCh38, 1-based): chr1:109,268,761, A>G. VCF-style: chr1-109268761-A-G. GRCh37 (hg19) VCF-style: chr1-109811383-A-G.
Other names: short protein forms I2167V.
Identifiers: ClinVar variation 1370285 (VCV001370285.6), dbSNP rs1264891050, ClinGen allele CA341507506.

ClinVar aggregate classification (germline): Uncertain significance (1 of 4 stars; one submission).

Allele frequency attached by ClinVar (database versions not stated): gnomAD exomes below 0.00001; gnomAD 0.00001; TOPMed 0.00001.

Submission:

Labcorp Genetics (formerly Invitae), Labcorp
Classification: Uncertain significance. Last evaluated: 2025-03-10. Review status: criteria provided, single submitter. Criteria: Invitae Variant Classification Sherloc (09022015). Collection method: clinical testing. Allele origin: germline.
Comment: This sequence change replaces isoleucine, which is neutral and non-polar, with valine, which is neutral and non-polar, at codon 2167 of the CELSR2 protein (p.Ile2167Val). This variant is present in population databases (no rsID available, gnomAD 0.0009%). This variant has not been reported in the literature in individuals affected with CELSR2-related conditions. ClinVar contains an entry for this variant (Variation ID: 1370285). Invitae Evidence Modeling of protein sequence and biophysical properties (such as structural, functional, and spatial information, amino acid conservation, physicochemical variation, residue mobility, and thermodynamic stability) indicates that this missense variant is not expected to disrupt CELSR2 protein function with a negative predictive value of 80%. In summary, the available evidence is currently insufficient to determine the role of this variant in disease. Therefore, it has been classified as a Variant of Uncertain Significance.